The following is an entry in ClinVar:

NM_012210.4(TRIM32):c.1591del (p.Gln531fs)

Genes: ASTN2 (astrotactin 2; minus strand), TRIM32 (tripartite motif containing 32; plus strand). Cytogenetic location: 9q33.1.
Variant type: Deletion.
Coding change: c.1591del on transcript NM_012210.4 (MANE Select); coding-DNA position 1591, one base deleted (C; older notation c.1591delC).
Protein change: p.Gln531fs; shifts the reading frame from glutamine 531.
Molecular consequence: frameshift variant. On other transcripts: intron variant (3).
Genome position (GRCh38, 1-based): chr9:116,699,333, C deleted; the last of 3 consecutive C bases (chr9:116,699,331-116,699,333); deleting any one gives the same sequence. VCF-style (leftmost placement, unchanged base first): chr9-116699330-AC-A. GRCh37 (hg19) VCF-style: chr9-119461609-AC-A.
Other names: c.1591del, p.Gln531fs (NM_001099679.2, NM_001379048.1, NM_001379049.1 and 1 more transcripts); c.2653+26440del (NM_014010.5); c.2794+26440del (NM_001365069.1); c.2806+26440del (NM_001365068.1); short protein forms Q531fs.
Identifiers: ClinVar variation 4997646 (VCV004997646.1).

ClinVar aggregate classification (germline): Likely pathogenic (1 of 4 stars; one submission).

Conditions:
TRIM32-related disorder. Also called: TRIM32-related condition.

Submission:

PreventionGenetics, part of Exact Sciences
Classification: Likely pathogenic for TRIM32-related condition. Last evaluated: 2025-04-08. Review status: criteria provided, single submitter. Criteria: ACMG Guidelines, 2015. Collection method: clinical testing. Allele origin: germline.
Comment: The TRIM32 c.1591delC variant is predicted to result in a frameshift and premature protein termination (p.Gln531Argfs*3). To our knowledge, this variant has not been reported in the literature or in a large population database (gnomAD), indicating this variant is rare. Frameshift variants in TRIM32 are expected to be pathogenic. This variant is interpreted as likely pathogenic.